The following is an entry in ClinVar:

ClinVar aggregate classification (germline): Uncertain significance. Review status: criteria provided, multiple submitters, no conflicts (2 of 4 stars). 2 submissions from 2 submitters: Uncertain significance (2). Last evaluated 2023-10-27.

Conditions:
Inborn genetic diseases. Identifiers: MedGen C0950123, MeSH D030342.

Submissions (2):

Ambry Genetics
Classification: Uncertain significance for Inborn genetic diseases. Last evaluated: 2023-10-27. Review status: criteria provided, single submitter. Criteria: Ambry Variant Classification Scheme 2023. Collection method: clinical testing. Allele origin: germline.

Labcorp Genetics (formerly Invitae), Labcorp
Classification: Uncertain significance. Last evaluated: 2023-01-28. Review status: criteria provided, single submitter. Criteria: Invitae Variant Classification Sherloc (09022015). Collection method: clinical testing. Allele origin: germline.
Comment: This variant has not been reported in the literature in individuals affected with CTBP1-related conditions. In summary, the available evidence is currently insufficient to determine the role of this variant in disease. Therefore, it has been classified as a Variant of Uncertain Significance. Algorithms developed to predict the effect of missense changes on protein structure and function (SIFT, PolyPhen-2, Align-GVGD) all suggest that this variant is likely to be tolerated. This variant is not present in population databases (gnomAD no frequency). This sequence change replaces alanine, which is neutral and non-polar, with proline, which is neutral and non-polar, at codon 395 of the CTBP1 protein (p.Ala395Pro).

NM_001012614.2(CTBP1):c.1150G>C (p.Ala384Pro)

Genes: CTBP1 (C-terminal binding protein 1; minus strand), CTBP1-AS (CTBP1 antisense RNA; plus strand). Cytogenetic location: 4p16.3.
Variant type: single nucleotide variant.
Coding change: c.1150G>C on transcript NM_001012614.2 (MANE Select); coding-DNA position 1150, G replaced by C.
Protein change: p.Ala384Pro; replaces alanine 384 with proline.
Molecular consequence: missense variant. On other transcripts: non-coding transcript variant (1).
Genome position (GRCh38, 1-based): chr4:1,212,380, C>G on the plus strand (G>C on the coding strand, the complement: CTBP1 is on the minus strand). VCF-style: chr4-1212380-C-G. GRCh37 (hg19) VCF-style: chr4-1206168-C-G.
Other names: c.1183G>C (NM_001328.2); c.1183G>C, p.Ala395Pro (NM_001328.3); c.1186G>C, p.Ala396Pro (NM_001377186.1); c.1153G>C, p.Ala385Pro (NM_001377187.1, NM_001377188.1, NM_001377189.1 and 1 more transcripts); c.1150G>C, p.Ala384Pro (NM_001377191.1, NM_001377192.1, NM_001377193.1); short protein forms A395P, A384P, A396P, A385P.
Identifiers: ClinVar variation 2832615 (VCV002832615.4), dbSNP rs2535013212, ClinGen allele CA355944354.